The following is an entry in ClinVar:

ClinVar aggregate classification (germline): Pathogenic (1 of 4 stars; one submission).

Conditions:
Heterotaxy, visceral, 1, X-linked (HTX1). Also called: SITUS INVERSUS, COMPLEX CARDIAC DEFECTS, AND SPLENIC DEFECTS, X-LINKED; DEXTROCARDIA WITH OTHER CARDIAC MALFORMATIONS; Laterality, X-linked; Visceral heterotaxia. Identifiers: Orphanet 450, MedGen C1844020, MONDO:0010607, OMIM 306955.

Submission:

Foundation for Research in Genetics and Endocrinology, FRIGE's Institute of Human Genetics
Classification: Pathogenic for Heterotaxy, visceral, 1, X-linked. Last evaluated: 2022-03-26. Review status: criteria provided, single submitter. Criteria: ACMG Guidelines, 2015. Collection method: clinical testing. Allele origin: maternal. Inheritance: X-linked recessive inheritance. Affected: yes. Observed: 1 hemizygote.
Comment: A hemizygous single base pair deletion in exon 1 of the ZIC3 gene that results in the frameshift and premature truncation of protein 23 amino acid downstream to codon200 was detected. The observed variant has not been reported in the 1000 genomes, gnomAD database. The in silico prediction of the variant are possibly damaging by Mutation tester 2. The reference region is conserved across species.

NM_003413.4(ZIC3):c.599del (p.Arg200fs)

Gene: ZIC3 (Zic family zinc finger 3; plus strand). Cytogenetic location: Xq26.3.
Variant type: Deletion.
Coding change: c.599del on transcript NM_003413.4 (MANE Select); coding-DNA position 599, one base deleted (G; older notation c.599delG).
Protein change: p.Arg200fs; shifts the reading frame from arginine 200.
Molecular consequence: frameshift variant.
Genome position (GRCh38, 1-based): chrX:137,567,290, G deleted. VCF-style (leftmost placement, unchanged base first): chrX-137567289-CG-C. GRCh37 (hg19) VCF-style: chrX-136649448-CG-C.
Other names: p.Arg200ProfsTer23; c.599del, p.Arg200fs (NM_001330661.1); short protein forms R200fs.
Identifiers: ClinVar variation 1707614 (VCV001707614.3), dbSNP rs2521149558, ClinGen allele CA2580101580.